The following is an entry in ClinVar:

ClinVar aggregate classification (germline): Likely pathogenic (1 of 4 stars; one submission).

Conditions:
Trichothiodystrophy 1, photosensitive (TTD1). Also called: TAY SYNDROME; TRICHOTHIODYSTROPHY WITH CONGENITAL ICHTHYOSIS; PIBIDS SYNDROME. Identifiers: Orphanet 33364, MedGen C1866504, MONDO:0011125, OMIM 601675.
Xeroderma pigmentosum, group D (XPD). Also called: XERODERMA PIGMENTOSUM, COMPLEMENTATION GROUP D; ERCC2-Related Xeroderma Pigmentosum; XERODERMA PIGMENTOSUM IV; XP, GROUP D; XP, GROUP H. Identifiers: MedGen C0268138, MONDO:0010212, OMIM 278730.

gnomAD v4.1: 3 of 1,614,044 alleles (0.00019%); highest among the groups gnomAD compares: Non-Finnish European, 0.00025%; no homozygotes.

Submission:

Diagnostics Services (NGS), CSIR - Centre For Cellular And Molecular Biology
Classification: Likely pathogenic for Trichothiodystrophy 1, photosensitive; Xeroderma pigmentosum, group D. Last evaluated: 2021-06-15. Review status: criteria provided, single submitter. Criteria: ACMG Guidelines, 2015. Collection method: clinical testing. Allele origin: germline. Inheritance: Autosomal recessive inheritance. Affected: yes. Observed: 1 variant allele, 1 homozygote.
Comment: The c.1972C>G variant is not present in publicly available population databases like 1000 Genomes, Exome Variant Server (EVS), Exome Aggregation Consortium (ExAC), Genome Aggregation Database (gnomAD) and dbSNP. The variant is also not present in Indian Exome Database and in our in-house exome database. UniProt classifies this variant as Pathogenic, associated with photosensitive trichothiodystrophy-1 (ID: VAR_017290). The variant was earlier identified in patients affected with xeroderma pigmentosum complementation group D and photosensitive trichothiodystrophy-1 (PMID- 7920640, 8571952, 9195225, 9238033, 9758621, 11242112). Alternative variants in the same amino acid position were reported to HGMD (IDs: CM013903, CM960514), ClinVar (Accession: VCV000016785.1) and OMIM (ID: 126340.0007) databases. In-silico pathogenicity prediction programs like SIFT, Polyphen-2, MutationTaster2, CADD, Varsome, InterVar etc. predicted this variant to be likely deleterious.

NM_000400.4(ERCC2):c.1972C>G (p.Arg658Gly)

Gene: ERCC2 (ERCC excision repair 2, TFIIH core complex helicase subunit; minus strand). Cytogenetic location: 19q13.32.
Variant type: single nucleotide variant.
Coding change: c.1972C>G on transcript NM_000400.4 (MANE Select); coding-DNA position 1972, C replaced by G.
Protein change: p.Arg658Gly; replaces arginine 658 with glycine.
Molecular consequence: missense variant.
Genome position (GRCh38, 1-based): chr19:45,352,580, G>C on the plus strand (C>G on the coding strand, the complement: ERCC2 is on the minus strand). VCF-style: chr19-45352580-G-C. GRCh37 (hg19) VCF-style: chr19-45855838-G-C.
Other names: short protein forms R658G.
Identifiers: ClinVar variation 1329484 (VCV001329484.3), dbSNP rs121913021, ClinGen allele CA406363209.